The following is an entry in ClinVar:

ClinVar aggregate classification (germline): Uncertain significance. Review status: criteria provided, multiple submitters, no conflicts (2 of 4 stars). 3 submissions from 3 submitters: Uncertain significance (3). Last evaluated 2025-12-15.

Allele frequency attached by ClinVar (database versions not stated): gnomAD exomes 0.00013 and 0.00018; 1000 Genomes Project 30x 0.00016; ExAC 0.00016; 1000 Genomes Project 0.00020; gnomAD 0.00020; TOPMed 0.00020; ESP Exome Variant Server 0.00023.
gnomAD v4.1: 301 of 1,612,148 alleles (0.019%); highest among the groups gnomAD compares: Non-Finnish European, 0.023%; no homozygotes.

Submissions (3):

Labcorp Genetics (formerly Invitae), Labcorp
Classification: Uncertain significance. Last evaluated: 2025-12-15. Review status: criteria provided, single submitter. Criteria: Invitae Variant Classification Sherloc (09022015). Collection method: clinical testing. Allele origin: germline.
Comment: This sequence change replaces aspartic acid, which is acidic and polar, with asparagine, which is neutral and polar, at codon 154 of the SLC10A2 protein (p.Asp154Asn). This variant is present in population databases (rs149100459, gnomAD 0.02%). This variant has not been reported in the literature in individuals affected with SLC10A2-related conditions. ClinVar contains an entry for this variant (Variation ID: 500831). Invitae Evidence Modeling of protein sequence and biophysical properties (such as structural, functional, and spatial information, amino acid conservation, physicochemical variation, residue mobility, and thermodynamic stability) indicates that this missense variant is not expected to disrupt SLC10A2 protein function with a negative predictive value of 80%. In summary, the available evidence is currently insufficient to determine the role of this variant in disease. Therefore, it has been classified as a Variant of Uncertain Significance.

Ambry Genetics
Classification: Uncertain significance. Last evaluated: 2025-02-14. Review status: criteria provided, single submitter. Criteria: Ambry Variant Classification Scheme 2023. Collection method: clinical testing. Allele origin: germline.

Eurofins Ntd Llc (ga)
Classification: Uncertain significance. Last evaluated: 2017-03-14. Review status: criteria provided, single submitter. Criteria: EGL Classification Definitions 2015. Collection method: clinical testing. Allele origin: germline. Observed: 1 variant allele, 1 heterozygote.

NM_000452.3(SLC10A2):c.460G>A (p.Asp154Asn)

Gene: SLC10A2 (solute carrier family 10 member 2; minus strand). Cytogenetic location: 13q33.1.
Variant type: single nucleotide variant.
Coding change: c.460G>A on transcript NM_000452.3 (MANE Select); coding-DNA position 460, G replaced by A.
Protein change: p.Asp154Asn; replaces aspartic acid 154 with asparagine.
Molecular consequence: missense variant.
Genome position (GRCh38, 1-based): chr13:103,058,300, C>T on the plus strand (G>A on the coding strand, the complement: SLC10A2 is on the minus strand). VCF-style: chr13-103058300-C-T. GRCh37 (hg19) VCF-style: chr13-103710650-C-T.
Other names: c.460G>A (NM_000452.2); short protein forms D154N.
Identifiers: ClinVar variation 500831 (VCV000500831.12), dbSNP rs149100459, ClinGen allele CA7042214.